The following is an entry in ClinVar:

ClinVar aggregate classification (germline): Conflicting classifications of pathogenicity. Review status: criteria provided, conflicting classifications (1 of 4 stars). 3 submissions from 3 submitters: Uncertain significance (1); Likely benign (2). Last evaluated 2026-09-01.

Allele frequency attached by ClinVar (database versions not stated): gnomAD exomes 0.00001.
gnomAD v4.1: 11 of 1,614,142 alleles (0.00068%); highest among the groups gnomAD compares: Non-Finnish European, 0.00093%; no homozygotes.

Submissions (3):

CeGaT Center for Human Genetics Tuebingen
Classification: Likely benign. Last evaluated: 2026-09-01. Review status: criteria provided, single submitter. Criteria: CeGaT Center For Human Genetics Tuebingen Variant Classification Criteria Version 2. Collection method: clinical testing. Allele origin: germline. Affected: yes. Observed: 2 variant alleles.
Comment: SYNE1: BP4, BP7

Athena Diagnostics
Classification: Uncertain significance. Last evaluated: 2025-03-13. Review status: criteria provided, single submitter. Criteria: Athena Diagnostics Criteria. Collection method: clinical testing. Allele origin: unknown.
Comment: Available data are insufficient to determine the clinical significance of the variant at this time. This variant has not been reported in large, multi-ethnic general populations. Computational tools yielded predictions that this variant is unlikely to have an effect on normal RNA splicing.

GeneDx
Classification: Likely benign. Last evaluated: 2017-11-21. Review status: criteria provided, single submitter. Criteria: GeneDx Variant Classification (06012015). Collection method: clinical testing. Allele origin: germline. Affected: yes.
Comment: This variant is considered likely benign or benign based on one or more of the following criteria: it is a conservative change, it occurs at a poorly conserved position in the protein, it is predicted to be benign by multiple in silico algorithms, and/or has population frequency not consistent with disease.

NM_182961.4(SYNE1):c.7939C>T (p.Leu2647=)

Gene: SYNE1 (spectrin repeat containing nuclear envelope protein 1; minus strand). Cytogenetic location: 6q25.2.
Variant type: single nucleotide variant.
Coding change: c.7939C>T on transcript NM_182961.4 (MANE Select); coding-DNA position 7939, C replaced by T.
Protein change: p.Leu2647=; no amino-acid change (leucine 2647 retained).
Molecular consequence: synonymous variant.
Genome position (GRCh38, 1-based): chr6:152,391,342, G>A on the plus strand (C>T on the coding strand, the complement: SYNE1 is on the minus strand). VCF-style: chr6-152391342-G-A. GRCh37 (hg19) VCF-style: chr6-152712477-G-A.
Other names: c.7939C>T (NM_182961.2); c.7960C>T, p.Leu2654= (NM_033071.5).
Identifiers: ClinVar variation 513466 (VCV000513466.29), dbSNP rs1554610128, ClinGen allele CA452972696.